The following is an entry in ClinVar:

NM_021167.5(GATAD1):c.161G>A (p.Gly54Asp)

Genes: GATAD1 (GATA zinc finger domain containing 1; plus strand), LOC129998793 (ATAC-STARR-seq lymphoblastoid silent region 18371; plus strand). Cytogenetic location: 7q21.2.
Variant type: single nucleotide variant.
Coding change: c.161G>A on transcript NM_021167.5 (MANE Select); coding-DNA position 161, G replaced by A.
Protein change: p.Gly54Asp; replaces glycine 54 with aspartic acid.
Molecular consequence: missense variant. On other transcripts: non-coding transcript variant (1).
Genome position (GRCh38, 1-based): chr7:92,447,890, G>A. VCF-style: chr7-92447890-G-A. GRCh37 (hg19) VCF-style: chr7-92077204-G-A.
Other names: short protein forms G54D.
Identifiers: ClinVar variation 3227577 (VCV003227577.1), dbSNP rs2484515669, ClinGen allele CA368155367.
Genomic context (GRCh38, chr7:92,447,890, plus strand): 5'-CTGGCCGGGGCGGCGCGGGCAGCGGGGGCGCAGGCTCGGGGGCGGCTGGAGGGACTGGGG[G>A]CAGCGGCGGCGGCGGCTTCGGCGCGGCGACCTTCGCCAGCACCTCCGCCACCCCTCCGCA-3'
Protein context (NP_066990.3, residues 44-64): AGSGAAGGTG[Gly54Asp]SGGGGFGAAT

ClinVar aggregate classification (germline): Uncertain significance (1 of 4 stars; one submission).

Conditions:
Cardiovascular phenotype. Identifiers: MedGen CN230736.

Submission:

Ambry Genetics
Classification: Uncertain significance for Cardiovascular phenotype. Last evaluated: 2023-10-10. Review status: criteria provided, single submitter. Criteria: Ambry Variant Classification Scheme 2023. Collection method: clinical testing. Allele origin: germline.
Comment: The p.G54D variant (also known as c.161G>A), located in coding exon 1 of the GATAD1 gene, results from a G to A substitution at nucleotide position 161. The glycine at codon 54 is replaced by aspartic acid, an amino acid with similar properties. This amino acid position is well conserved in available vertebrate species. In addition, the in silico prediction for this alteration is inconclusive. The evidence for this gene-disease relationship is limited; therefore, the clinical significance of this alteration is unclear.